The following is an entry in ClinVar:

ClinVar aggregate classification (germline): Conflicting classifications of pathogenicity. Review status: criteria provided, conflicting classifications (1 of 4 stars). 7 submissions from 7 submitters: Uncertain significance (1); Likely benign (5). 1 of the submissions does not count toward it. Last evaluated 2026-01-27.

Conditions:
Cardiovascular phenotype. Identifiers: MedGen CN230736.
PKP2-related disorder. Also called: PKP2-related condition.
Arrhythmogenic right ventricular cardiomyopathy (ARVD). Also called: Arrhythmogenic right ventricular dysplasia; Arrhythmogenic cardiomyopathy; Arrhythmogenic Right Ventricular Cardiomyopathy (ARVC); Cardiomyopathy, ARVC. Identifiers: Orphanet 247, MedGen C0349788, MeSH D019571, MONDO:0016587. Disease mechanism: loss of function. Inheritance: Various modes of inheritance.
Cardiomyopathy (CMYO). Also called: Cardiomyopathies. Identifiers: Orphanet 167848, MedGen C0878544, MONDO:0004994, HP:0001638. Inheritance: Various modes of inheritance.
Arrhythmogenic right ventricular dysplasia 9 (ARVD9). Also called: ARRHYTHMOGENIC RIGHT VENTRICULAR DYSPLASIA, FAMILIAL, 9; Arrhythmogenic Right Ventricular Dysplasia/Cardiomyopathy 9. Identifiers: MedGen C1836906, MONDO:0012180, OMIM 609040.

Allele frequency attached by ClinVar (database versions not stated): gnomAD exomes 0.00003 and 0.00015; ExAC 0.00022; TOPMed 0.00047; gnomAD 0.00052 and 0.00053; ESP Exome Variant Server 0.00100; 1000 Genomes Project 0.00120; 1000 Genomes Project 30x 0.00125.
gnomAD v4.1: 117 of 1,227,012 alleles (0.0095%); highest among the groups gnomAD compares: African/African-American, 0.15%; 2 homozygotes.

Submissions (7):

Labcorp Genetics (formerly Invitae), Labcorp
Classification: Likely benign for Arrhythmogenic right ventricular dysplasia 9. Last evaluated: 2026-01-27. Review status: criteria provided, single submitter. Criteria: Invitae Variant Classification Sherloc (09022015). Collection method: clinical testing. Allele origin: germline.

All of Us Research Program, National Institutes of Health
Classification: Likely benign for Arrhythmogenic right ventricular cardiomyopathy. Last evaluated: 2024-09-23. Review status: criteria provided, single submitter. Criteria: ACMG Guidelines, 2015. Collection method: clinical testing. Allele origin: germline. Inheritance: Autosomal dominant inheritance. Observed: 44 variant alleles, 44 heterozygotes.
Comment: This study involves interpretation of variants in research participants for the purpose of population health screening. Participant phenotype was not available at the time of variant classification. Additional details can be found in publication PMID: 35346344, PMCID: PMC8962531

Ambry Genetics
Classification: Likely benign for Cardiovascular phenotype. Last evaluated: 2022-08-17. Review status: criteria provided, single submitter. Criteria: Ambry Variant Classification Scheme 2023. Collection method: clinical testing. Allele origin: germline.

Color Diagnostics, LLC DBA Color Health
Classification: Likely benign for Cardiomyopathy. Last evaluated: 2018-12-17. Review status: criteria provided, single submitter. Criteria: ACMG Guidelines, 2015. Collection method: clinical testing. Allele origin: germline.

GeneDx
Classification: Likely benign. Last evaluated: 2017-09-15. Review status: criteria provided, single submitter. Criteria: GeneDx Variant Classification (06012015). Collection method: clinical testing. Allele origin: germline. Affected: yes.
Comment: This variant is considered likely benign or benign based on one or more of the following criteria: it is a conservative change, it occurs at a poorly conserved position in the protein, it is predicted to be benign by multiple in silico algorithms, and/or has population frequency not consistent with disease.

Laboratory for Molecular Medicine, Mass General Brigham Personalized Medicine
Classification: Uncertain significance. Last evaluated: 2010-07-23. Review status: criteria provided, single submitter. Criteria: LMM Criteria. Collection method: clinical testing. Allele origin: germline. Observed: 2 variant alleles.

PreventionGenetics, part of Exact Sciences
Classification: Likely benign for PKP2-related condition. Last evaluated: 2023-06-19. Review status: no assertion criteria provided. Collection method: clinical testing. Allele origin: germline. Not counted in ClinVar's aggregate classification.
Comment: This variant is classified as likely benign based on ACMG/AMP sequence variant interpretation guidelines (Richards et al. 2015 PMID: 25741868, with internal and published modifications).

NM_001005242.3(PKP2):c.1379-2054C>T

Gene: PKP2 (plakophilin 2; minus strand). Cytogenetic location: 12p11.21.
Variant type: single nucleotide variant.
Coding change: c.1379-2054C>T on transcript NM_001005242.3 (MANE Select); 2054 bases into the intron before coding-DNA position 1379, C replaced by T.
Molecular consequence: intron variant. On other transcripts: missense variant (1).
Genome position (GRCh38, 1-based): chr12:32,843,259, G>A on the plus strand (C>T on the coding strand, the complement: PKP2 is on the minus strand). VCF-style: chr12-32843259-G-A. GRCh37 (hg19) VCF-style: chr12-32996193-G-A.
Other names: c.1433C>T, p.Ala478Val (NM_004572.4); short protein forms A478V.
Identifiers: ClinVar variation 45025 (VCV000045025.24), dbSNP rs144620127, ClinGen allele CA010604.